The following is an entry in ClinVar:

ClinVar aggregate classification (germline): Benign (3 of 4 stars; one submission).

Conditions:
Breast-ovarian cancer, familial, susceptibility to, 2 (BROVCA2). Also called: BRCA2 Hereditary Breast and Ovarian Cancer. Identifiers: Orphanet 145, MedGen C2675520, MONDO:0012933, OMIM 612555. Disease mechanism: loss of function.

Allele frequency attached by ClinVar (database versions not stated): 1000 Genomes Project 0.22404; gnomAD 0.24336 and 0.24460.
gnomAD v4.1: 31,457 of 128,358 alleles (25%); highest among the groups gnomAD compares: East Asian, 30%; 3,340 homozygotes.

Submission:

Evidence-based Network for the Interpretation of Germline Mutant Alleles (ENIGMA)
Classification: Benign for Breast-ovarian cancer, familial, susceptibility to, 2. Last evaluated: 2016-09-28. Review status: reviewed by expert panel. Criteria: ENIGMA BRCA1/2 Classification Criteria (2015). Collection method: curation. Allele origin: germline.
Comment: Class 1 not pathogenic based on frequency >1% in an outbred sampleset. Frequency 0.2346 (European), 0.2073 (African), 0.1571 (Admixed American/Latino), 0.2639 (East Asian), 0.2423 (South Asian), derived from 1000 genomes (2013-05-02).

NM_000059.4(BRCA2):c.8332-1591T>G

Gene: BRCA2 (BRCA2 DNA repair associated; plus strand). Cytogenetic location: 13q13.1.
Variant type: single nucleotide variant.
Coding change: c.8332-1591T>G on transcript NM_000059.4 (MANE Select); 1591 bases into the intron before coding-DNA position 8332, T replaced by G.
Molecular consequence: intron variant.
Genome position (GRCh38, 1-based): chr13:32,368,811, T>G. VCF-style: chr13-32368811-T-G. GRCh37 (hg19) VCF-style: chr13-32942948-T-G.
Identifiers: ClinVar variation 264906 (VCV000264906.1), dbSNP rs169546, ClinGen allele CA10588140.